The following is an entry in ClinVar:

NM_001103.4(ACTN2):c.1586A>G (p.Asn529Ser)

Gene: ACTN2 (actinin alpha 2; plus strand). Cytogenetic location: 1q43.
Variant type: single nucleotide variant.
Coding change: c.1586A>G on transcript NM_001103.4 (MANE Select); coding-DNA position 1586, A replaced by G.
Protein change: p.Asn529Ser; replaces asparagine 529 with serine.
Molecular consequence: missense variant.
Genome position (GRCh38, 1-based): chr1:236,749,194, A>G. VCF-style: chr1-236749194-A-G. GRCh37 (hg19) VCF-style: chr1-236912494-A-G.
Other names: c.1586A>G, p.Asn529Ser (NM_001278343.2); c.962A>G, p.Asn321Ser (NM_001278344.2); short protein forms N529S, N321S.
Identifiers: ClinVar variation 191597 (VCV000191597.13), dbSNP rs200143657, ClinGen allele CA237019.

ClinVar aggregate classification (germline): Conflicting classifications of pathogenicity. Review status: criteria provided, conflicting classifications (1 of 4 stars). 4 submissions from 4 submitters: Uncertain significance (2); Likely benign (2). Last evaluated 2025-02-19.

Conditions:
Cardiovascular phenotype. Identifiers: MedGen CN230736.
Primary familial hypertrophic cardiomyopathy (HCM). Identifiers: Orphanet 99739, MedGen C0949658, MeSH D024741, MONDO:0024573. Inheritance: Various modes of inheritance.
Dilated cardiomyopathy 1AA (CMD1AA). Also called: Cardiomyopathy, dilated, 1AA, with or without LVNC; CARDIOMYOPATHY, DILATED, 1AA, WITH OR WITHOUT LEFT VENTRICULAR NONCOMPACTION; CARDIOMYOPATHY, FAMILIAL HYPERTROPHIC, 23, WITH OR WITHOUT LEFT VENTRICULAR NONCOMPACTION. Identifiers: Orphanet 154, MedGen C2677338, MONDO:0012808, OMIM 612158.
Cardiomyopathy (CMYO). Also called: Cardiomyopathies. Identifiers: Orphanet 167848, MedGen C0878544, MONDO:0004994, HP:0001638. Inheritance: Various modes of inheritance.

Allele frequency attached by ClinVar (database versions not stated): gnomAD exomes below 0.00001 and 0.00004; gnomAD 0.00001; ExAC 0.00004.
gnomAD v4.1: 9 of 1,614,072 alleles (0.00056%); highest among the groups gnomAD compares: East Asian, 0.018%; no homozygotes.

Submissions (4):

Labcorp Genetics (formerly Invitae), Labcorp
Classification: Likely benign for Primary familial hypertrophic cardiomyopathy; Dilated cardiomyopathy 1AA. Last evaluated: 2025-02-19. Review status: criteria provided, single submitter. Criteria: Invitae Variant Classification Sherloc (09022015). Collection method: clinical testing. Allele origin: germline.

Ambry Genetics
Classification: Uncertain significance for Cardiovascular phenotype. Last evaluated: 2025-01-21. Review status: criteria provided, single submitter. Criteria: Ambry Variant Classification Scheme 2023. Collection method: clinical testing. Allele origin: germline.
Comment: The p.N529S variant (also known as c.1586A>G), located in coding exon 14 of the ACTN2 gene, results from an A to G substitution at nucleotide position 1586. The asparagine at codon 529 is replaced by serine, an amino acid with highly similar properties. This alteration has been reported as a secondary cardiac variant in an exome cohort; however, clinical details are limited (Ng D et al. Circ Cardiovasc Genet, 2013 Aug;6:337-46). This variant has also been reported in a cardiomyopathy cohort (Lu C et al. J Transl Med, 2018 Aug;16:241). This amino acid position is highly conserved in available vertebrate species. In addition, this alteration is predicted to be tolerated by in silico analysis. Based on the available evidence, the clinical significance of this variant remains unclear.

CHEO Genetics Diagnostic Laboratory, Children's Hospital of Eastern Ontario
Classification: Likely benign for Cardiomyopathy. Last evaluated: 2018-06-12. Review status: criteria provided, single submitter. Criteria: ACMG Guidelines, 2015. Collection method: clinical testing. Allele origin: germline.

Biesecker Lab/Clinical Genomics Section, National Institutes of Health
Classification: Uncertain significance. Last evaluated: 2013-06-24. Review status: criteria provided, single submitter. Criteria: Ng et al. (Circ Cardiovasc Genet. 2013). Collection method: research. Allele origin: unknown. Observed: 1 variant allele. Study: ClinSeq.
Comment: The study set was not selected for affection status in relation to any cancer. Pathogenicity categories were based on literature curation. See Pubmed ID:23861362 for details.

Medical sequencing

Literature cited by the submitters: PubMed 23861362 (cited by Ambry Genetics); PubMed 30165862 (cited by Ambry Genetics).